The following is an entry in ClinVar:

NM_015978.3(TNNI3K):c.846A>C (p.Lys282Asn)

Genes: FPGT-TNNI3K (FPGT-TNNI3K readthrough; plus strand), TNNI3K (TNNI3 interacting kinase; plus strand). Cytogenetic location: 1p31.1.
Variant type: single nucleotide variant.
Coding change: c.846A>C on transcript NM_015978.3 (MANE Select); coding-DNA position 846, A replaced by C.
Protein change: p.Lys282Asn; replaces lysine 282 with asparagine.
Molecular consequence: missense variant.
Genome position (GRCh38, 1-based): chr1:74,343,093, A>C. VCF-style: chr1-74343093-A-C. GRCh37 (hg19) VCF-style: chr1-74808777-A-C.
Other names: c.1149A>C, p.Lys383Asn (NM_001112808.3, NM_001199327.2); short protein forms K282N, K383N.
Identifiers: ClinVar variation 2126611 (VCV002126611.4), dbSNP rs2524362142, ClinGen allele CA340782120.

ClinVar aggregate classification (germline): Uncertain significance (1 of 4 stars; one submission).

Submission:

Labcorp Genetics (formerly Invitae), Labcorp
Classification: Uncertain significance. Last evaluated: 2022-04-15. Review status: criteria provided, single submitter. Criteria: Invitae Variant Classification Sherloc (09022015). Collection method: clinical testing. Allele origin: germline.
Comment: This sequence change replaces lysine, which is basic and polar, with asparagine, which is neutral and polar, at codon 282 of the TNNI3K protein (p.Lys282Asn). This variant is not present in population databases (gnomAD no frequency). This variant has not been reported in the literature in individuals affected with TNNI3K-related conditions. Algorithms developed to predict the effect of missense changes on protein structure and function output the following: SIFT: "Tolerated"; PolyPhen-2: "Benign"; Align-GVGD: "Class C0". The asparagine amino acid residue is found in multiple mammalian species, which suggests that this missense change does not adversely affect protein function. In summary, the available evidence is currently insufficient to determine the role of this variant in disease. Therefore, it has been classified as a Variant of Uncertain Significance.